The following is an entry in ClinVar:

ClinVar aggregate classification (germline): Uncertain significance. Review status: criteria provided, multiple submitters, no conflicts (2 of 4 stars). 2 submissions from 2 submitters: Uncertain significance (2). Last evaluated 2025-11-08.

Conditions:
Inborn genetic diseases. Identifiers: MedGen C0950123, MeSH D030342.
Malignant hyperthermia, susceptibility to, 1 (MHS1). Also called: Malignant hyperthermia suceptibility 1; Anesthesia related hyperthermia; Malignant hyperpyrexia; Fulminating hyperpyrexia; Pharmacogenic myopathy; RYR1-Related Malignant Hyperthermia Susceptibility. Identifiers: Orphanet 423, MedGen C2930980, MONDO:0007783, OMIM 145600.

gnomAD v4.1: 9 of 1,549,748 alleles (0.00058%); highest among the groups gnomAD compares: African/African-American, 0.0014%; no homozygotes.

Submissions (2):

Ambry Genetics
Classification: Uncertain significance for Inborn genetic diseases. Last evaluated: 2025-11-08. Review status: criteria provided, single submitter. Criteria: Ambry Variant Classification Scheme 2023. Collection method: clinical testing. Allele origin: germline.
Comment: The c.4081C>T (p.P1361S) alteration is located in exon 28 (coding exon 28) of the RYR1 gene. This alteration results from a C to T substitution at nucleotide position 4081, causing the proline (P) at amino acid position 1361 to be replaced by a serine (S). Based on data from gnomAD, the T allele has an overall frequency of 0.001% (1/173752) total alleles studied. The highest observed frequency was 0.007% (1/15084) of African alleles. Based on insufficient or conflicting evidence, the clinical significance of this alteration remains unclear.

Color Diagnostics, LLC DBA Color Health
Classification: Uncertain significance for Malignant hyperthermia, susceptibility to, 1. Last evaluated: 2025-07-08. Review status: criteria provided, single submitter. Criteria: ACMG Guidelines, 2015. Collection method: clinical testing. Allele origin: germline.
Comment: This missense variant replaces proline with serine at codon 1361 of the RYR1 protein. Computational prediction suggests that this variant may not impact protein structure and function. To our knowledge, functional studies have not been reported for this variant. This variant has not been reported in individuals affected with RYR1-related disorders in the literature. This variant has been identified in 1/31142 chromosomes in the general population by the Genome Aggregation Database (gnomAD). The available evidence is insufficient to determine the role of this variant in disease conclusively. Therefore, this variant is classified as a Variant of Uncertain Significance.

NM_000540.3(RYR1):c.4081C>T (p.Pro1361Ser)

Gene: RYR1 (ryanodine receptor 1; plus strand). Cytogenetic location: 19q13.2.
Variant type: single nucleotide variant.
Coding change: c.4081C>T on transcript NM_000540.3 (MANE Select); coding-DNA position 4081, C replaced by T.
Protein change: p.Pro1361Ser; replaces proline 1361 with serine.
Molecular consequence: missense variant.
Genome position (GRCh38, 1-based): chr19:38,473,692, C>T. VCF-style: chr19-38473692-C-T. GRCh37 (hg19) VCF-style: chr19-38964332-C-T.
Other names: c.4081C>T, p.Pro1361Ser (NM_001042723.2); short protein forms P1361S.
Identifiers: ClinVar variation 4629728 (VCV004629728.2).